The following is an entry in ClinVar:

NM_032043.3(BRIP1):c.1582A>G (p.Lys528Glu)

Gene: BRIP1 (BRCA1 interacting DNA helicase 1; minus strand). Cytogenetic location: 17q23.2.
Variant type: single nucleotide variant.
Coding change: c.1582A>G on transcript NM_032043.3 (MANE Select); coding-DNA position 1582, A replaced by G.
Protein change: p.Lys528Glu; replaces lysine 528 with glutamic acid.
Molecular consequence: missense variant.
Genome position (GRCh38, 1-based): chr17:61,784,316, T>C on the plus strand (A>G on the coding strand, the complement: BRIP1 is on the minus strand). VCF-style: chr17-61784316-T-C. GRCh37 (hg19) VCF-style: chr17-59861677-T-C.
Other names: short protein forms K528E.
Identifiers: ClinVar variation 481635 (VCV000481635.16), dbSNP rs748962730, ClinGen allele CA8690713.

ClinVar aggregate classification (germline): Uncertain significance. Review status: criteria provided, multiple submitters, no conflicts (2 of 4 stars). 3 submissions from 3 submitters: Uncertain significance (3). Last evaluated 2025-03-04.

Conditions:
Fanconi anemia complementation group J. Also called: BRIP1-Related Fanconi Anemia. Identifiers: Orphanet 84, MedGen C1836860, MONDO:0012187, OMIM 609054.
Familial cancer of breast. Also called: BREAST CANCER, FAMILIAL; Hereditary breast cancer; hereditary breast carcinoma. Identifiers: Orphanet 227535, MedGen C0346153, MONDO:0016419, OMIM 114480. Disease mechanism: loss of function.
Hereditary cancer-predisposing syndrome. Also called: Hereditary neoplastic syndrome; Neoplastic Syndromes, Hereditary; Tumor predisposition; Hereditary Cancer Syndrome. Identifiers: Orphanet 140162, MedGen C0027672, MeSH D009386, MONDO:0015356.

Allele frequency attached by ClinVar (database versions not stated): gnomAD exomes below 0.00001; ExAC 0.00001.
gnomAD v4.1: 1 of 1,613,388 alleles (0.000062%); highest among the groups gnomAD compares: South Asian, 0.0011%; no homozygotes.

Submissions (3):

Center for Genomic Medicine, Rigshospitalet, Copenhagen University Hospital
Classification: Uncertain significance. Last evaluated: 2025-03-04. Review status: criteria provided, single submitter. Criteria: ACMG Guidelines, 2015. Collection method: clinical testing. Allele origin: germline.

Labcorp Genetics (formerly Invitae), Labcorp
Classification: Uncertain significance for Familial cancer of breast; Fanconi anemia complementation group J. Last evaluated: 2021-03-27. Review status: criteria provided, single submitter. Criteria: Invitae Variant Classification Sherloc (09022015). Collection method: clinical testing. Allele origin: germline.
Comment: In summary, the available evidence is currently insufficient to determine the role of this variant in disease. Therefore, it has been classified as a Variant of Uncertain Significance. Algorithms developed to predict the effect of missense changes on protein structure and function are either unavailable or do not agree on the potential impact of this missense change (SIFT: "Deleterious"; PolyPhen-2: "Probably Damaging"; Align-GVGD: "Class C0"). This variant has not been reported in the literature in individuals with BRIP1-related conditions. ClinVar contains an entry for this variant (Variation ID: 481635). This variant is present in population databases (rs748962730, ExAC 0.006%). This sequence change replaces lysine with glutamic acid at codon 528 of the BRIP1 protein (p.Lys528Glu). The lysine residue is highly conserved and there is a small physicochemical difference between lysine and glutamic acid.

Ambry Genetics
Classification: Uncertain significance for Hereditary cancer-predisposing syndrome. Last evaluated: 2016-03-29. Review status: criteria provided, single submitter. Criteria: Ambry Variant Classification Scheme 2023. Collection method: clinical testing. Allele origin: germline.
Comment: The p.K528E variant (also known as c.1582A>G), located in coding exon 10 of the BRIP1 gene, results from an A to G substitution at nucleotide position 1582. The lysine at codon 528 is replaced by glutamic acid, an amino acid with similar properties. This variant was not reported in population based cohorts in the following databases: Database of Single Nucleotide Polymorphisms (dbSNP), NHLBI Exome Sequencing Project (ESP), and 1000 Genomes Project. In the ESP, this variant was not observed in 6500 samples (13000 alleles) with coverage at this position. To date, this alteration has been detected with an allele frequency of approximately 0.001% (greater than 120000 alleles tested) in our clinical cohort. This amino acid position is highly conserved in available vertebrate species. In addition, the in silico prediction for this alteration is inconclusive. Since supporting evidence is limited at this time, the clinical significance of this variant remains unclear.